The following is an entry in ClinVar:

ClinVar aggregate classification (germline): Uncertain significance (1 of 4 stars; one submission).

gnomAD v4.1: 1 of 1,613,964 alleles (0.000062%); highest among the groups gnomAD compares: Non-Finnish European, 0.000085%; no homozygotes.

Submission:

Labcorp Genetics (formerly Invitae), Labcorp
Classification: Uncertain significance. Last evaluated: 2024-12-17. Review status: criteria provided, single submitter. Criteria: Invitae Variant Classification Sherloc (09022015). Collection method: clinical testing. Allele origin: germline.
Comment: This sequence change falls in intron 35 of the MTOR gene. It does not directly change the encoded amino acid sequence of the MTOR protein. It affects a nucleotide within the consensus splice site. This variant is not present in population databases (gnomAD no frequency). This variant has not been reported in the literature in individuals affected with MTOR-related conditions. Variants that disrupt the consensus splice site are a relatively common cause of aberrant splicing (PMID: 17576681, 9536098). Algorithms developed to predict the effect of sequence changes on RNA splicing suggest that this variant may disrupt the consensus splice site. In summary, the available evidence is currently insufficient to determine the role of this variant in disease. Therefore, it has been classified as a Variant of Uncertain Significance.

Literature cited by the submitters: PubMed 17576681; PubMed 9536098.

NM_004958.4(MTOR):c.4998+6T>G

Gene: MTOR (mechanistic target of rapamycin kinase; minus strand). Cytogenetic location: 1p36.22.
Variant type: single nucleotide variant.
Coding change: c.4998+6T>G on transcript NM_004958.4 (MANE Select); 6 bases into the intron after coding-DNA position 4998, T replaced by G.
Molecular consequence: intron variant.
Genome position (GRCh38, 1-based): chr1:11,139,527, A>C on the plus strand (T>G on the coding strand, the complement: MTOR is on the minus strand). VCF-style: chr1-11139527-A-C. GRCh37 (hg19) VCF-style: chr1-11199584-A-C.
Other names: c.3750+6T>G (NM_001386501.1); c.4998+6T>G (NM_001386500.1).
Identifiers: ClinVar variation 3667563 (VCV003667563.2).